The following is an entry in ClinVar:

ClinVar aggregate classification (germline): Uncertain significance (1 of 4 stars; one submission).

Conditions:
Hereditary cancer-predisposing syndrome. Also called: Neoplastic Syndromes, Hereditary; Hereditary Cancer Syndrome; Tumor predisposition; Hereditary neoplastic syndrome. Identifiers: Orphanet 140162, MedGen C0027672, MeSH D009386, MONDO:0015356.

Allele frequency attached by ClinVar (database versions not stated): TOPMed below 0.00001.

Submission:

Labcorp Genetics (formerly Invitae), Labcorp
Classification: Uncertain significance for Hereditary cancer-predisposing syndrome. Last evaluated: 2021-09-01. Review status: criteria provided, single submitter. Criteria: Invitae Variant Classification Sherloc (09022015). Collection method: clinical testing. Allele origin: germline.
Comment: This sequence change replaces leucine with proline at codon 521 of the RAD50 protein (p.Leu521Pro). The leucine residue is highly conserved and there is a moderate physicochemical difference between leucine and proline. This variant is not present in population databases (ExAC no frequency). This variant has not been reported in the literature in individuals affected with RAD50-related conditions. Algorithms developed to predict the effect of missense changes on protein structure and function (SIFT, PolyPhen-2, Align-GVGD) all suggest that this variant is likely to be disruptive. In summary, the available evidence is currently insufficient to determine the role of this variant in disease. Therefore, it has been classified as a Variant of Uncertain Significance.

NM_005732.4(RAD50):c.1562T>C (p.Leu521Pro)

Gene: RAD50 (RAD50 double strand break repair protein; plus strand). Cytogenetic location: 5q31.1.
Variant type: single nucleotide variant.
Coding change: c.1562T>C on transcript NM_005732.4 (MANE Select); coding-DNA position 1562, T replaced by C.
Protein change: p.Leu521Pro; replaces leucine 521 with proline.
Molecular consequence: missense variant.
Genome position (GRCh38, 1-based): chr5:132,591,333, T>C. VCF-style: chr5-132591333-T-C. GRCh37 (hg19) VCF-style: chr5-131927025-T-C.
Other names: short protein forms L521P.
Identifiers: ClinVar variation 1379044 (VCV001379044.6), dbSNP rs1045144486, ClinGen allele CA127246313.